The following is an entry in ClinVar:

ClinVar aggregate classification (germline): Uncertain significance (1 of 4 stars; one submission).

Conditions:
Atrioventricular septal defect 5 (AVSD5). Identifiers: MedGen C3280939, MONDO:0013769, OMIM 614474.

gnomAD v4.1: 11 of 1,588,058 alleles (0.00069%); highest among the groups gnomAD compares: Non-Finnish European, 0.00094%; no homozygotes.

Submission:

Labcorp Genetics (formerly Invitae), Labcorp
Classification: Uncertain significance for Atrioventricular septal defect 5. Last evaluated: 2021-08-04. Review status: criteria provided, single submitter. Criteria: Invitae Variant Classification Sherloc (09022015). Collection method: clinical testing. Allele origin: germline.
Comment: In summary, the available evidence is currently insufficient to determine the role of this variant in disease. Therefore, it has been classified as a Variant of Uncertain Significance. Algorithms developed to predict the effect of missense changes on protein structure and function (SIFT, PolyPhen-2, Align-GVGD) all suggest that this variant is likely to be tolerated. This variant has not been reported in the literature in individuals affected with GATA6-related conditions. This variant is not present in population databases (ExAC no frequency). This sequence change replaces leucine with isoleucine at codon 65 of the GATA6 protein (p.Leu65Ile). The leucine residue is weakly conserved and there is a small physicochemical difference between leucine and isoleucine.

NM_005257.6(GATA6):c.193C>A (p.Leu65Ile)

Gene: GATA6 (GATA binding protein 6; plus strand). Cytogenetic location: 18q11.2.
Variant type: single nucleotide variant.
Coding change: c.193C>A on transcript NM_005257.6 (MANE Select); coding-DNA position 193, C replaced by A.
Protein change: p.Leu65Ile; replaces leucine 65 with isoleucine.
Molecular consequence: missense variant.
Genome position (GRCh38, 1-based): chr18:22,171,337, C>A. VCF-style: chr18-22171337-C-A. GRCh37 (hg19) VCF-style: chr18-19751298-C-A.
Other names: short protein forms L65I.
Identifiers: ClinVar variation 1414184 (VCV001414184.6), dbSNP rs2143274330, ClinGen allele CA401798971.